The following is an entry in ClinVar:

NM_020366.4(RPGRIP1):c.2332G>A (p.Asp778Asn)

Gene: RPGRIP1 (RPGR interacting protein 1; plus strand). Cytogenetic location: 14q11.2.
Variant type: single nucleotide variant.
Coding change: c.2332G>A on transcript NM_020366.4 (MANE Select); coding-DNA position 2332, G replaced by A.
Protein change: p.Asp778Asn; replaces aspartic acid 778 with asparagine.
Molecular consequence: missense variant. On other transcripts: intron variant (4).
Genome position (GRCh38, 1-based): chr14:21,325,348, G>A. VCF-style: chr14-21325348-G-A. GRCh37 (hg19) VCF-style: chr14-21793507-G-A.
Other names: c.2332G>A (NM_020366.3); c.1258G>A, p.Asp420Asn (NM_001377948.1); c.796+623G>A (NM_001377949.1); c.689-2275G>A (NM_001377523.1, NM_001377950.1); c.191-2275G>A (NM_001377951.1); short protein forms D420N, D778N.
Identifiers: ClinVar variation 2085186 (VCV002085186.4), dbSNP rs768913743, ClinGen allele CA7089219.
Genomic context (GRCh38, chr14:21,325,348, plus strand): 5'-ATAAAACCCAGCCTACAGGCGTGCAATAAACGAAAGAAAGCCCAGGTCTACCTGTCAACC[G>A]ATGTGCTTGGAGGCCGGAAGGCCCAGGAAGAGGAGGTGAGAAAAAAGATGTGCCGAGGCA-3'
Protein context (NP_065099.3, residues 768-788): RKKAQVYLST[Asp778Asn]VLGGRKAQEE

ClinVar aggregate classification (germline): Conflicting classifications of pathogenicity. Review status: criteria provided, conflicting classifications (1 of 4 stars). 2 submissions from 2 submitters: Uncertain significance (1); Likely benign (1). Last evaluated 2024-01-30.

Conditions:
Inborn genetic diseases. Identifiers: MedGen C0950123, MeSH D030342.
Cone-rod dystrophy 13 (CORD13). Identifiers: Orphanet 1872, MedGen C2750720, MONDO:0011987, OMIM 608194.
Leber congenital amaurosis 6 (LCA6). Identifiers: Orphanet 65, MedGen C1854260, MONDO:0013446, OMIM 613826.

Allele frequency attached by ClinVar (database versions not stated): TOPMed 0.00004; gnomAD 0.00005.
gnomAD v4.1: 30 of 1,596,140 alleles (0.0019%); highest among the groups gnomAD compares: African/African-American, 0.011%; no homozygotes.

Submissions (2):

Ambry Genetics
Classification: Likely benign for Inborn genetic diseases. Last evaluated: 2024-01-30. Review status: criteria provided, single submitter. Criteria: Ambry Variant Classification Scheme 2023. Collection method: clinical testing. Allele origin: germline.

Labcorp Genetics (formerly Invitae), Labcorp
Classification: Uncertain significance for Leber congenital amaurosis 6; Cone-rod dystrophy 13. Last evaluated: 2022-08-16. Review status: criteria provided, single submitter. Criteria: Invitae Variant Classification Sherloc (09022015). Collection method: clinical testing. Allele origin: germline.
Comment: In summary, the available evidence is currently insufficient to determine the role of this variant in disease. Therefore, it has been classified as a Variant of Uncertain Significance. Algorithms developed to predict the effect of missense changes on protein structure and function output the following: SIFT: "Tolerated"; PolyPhen-2: "Benign"; Align-GVGD: "Class C0". The asparagine amino acid residue is found in multiple mammalian species, which suggests that this missense change does not adversely affect protein function. This variant has not been reported in the literature in individuals affected with RPGRIP1-related conditions. The frequency data for this variant in the population databases is considered unreliable, as metrics indicate poor data quality at this position in the gnomAD database. This sequence change replaces aspartic acid, which is acidic and polar, with asparagine, which is neutral and polar, at codon 778 of the RPGRIP1 protein (p.Asp778Asn).